The following is an entry in ClinVar:

ClinVar aggregate classification (germline): Pathogenic/Likely pathogenic. Review status: criteria provided, multiple submitters, no conflicts (2 of 4 stars). 6 submissions from 6 submitters: Pathogenic (1); Likely pathogenic (5). Last evaluated 2026-09-01.

Conditions:
Nephronophthisis. Also called: Juvenile Nephronophthisis. Identifiers: Orphanet 655, MedGen C0687120, MONDO:0019005, HP:0000090.
NPHP1-related disorder. Also called: NPHP1-related disorders; NPHP1-related condition.
Nephronophthisis 1 (NPHP1). Also called: Nephronophthisis familial juvenile. Identifiers: Orphanet 655, Orphanet 93592, MedGen C1855681, MONDO:0009728, OMIM 256100.
Joubert syndrome with renal defect. Also called: JOUBERT SYNDROME 4. Identifiers: Orphanet 220497, MedGen C1846790, MONDO:0012308, OMIM 609583.
Joubert syndrome and related disorders. Identifiers: Orphanet 140874, MedGen C5679612, MONDO:0015369.

Allele frequency attached by ClinVar (database versions not stated): gnomAD exomes 0.00001; ExAC 0.00002.

Submissions (6):

PreventionGenetics, part of Exact Sciences
Classification: Likely pathogenic for NPHP1-related condition. Last evaluated: 2026-09-01. Review status: criteria provided, single submitter. Criteria: ACMG Guidelines, 2015. Collection method: clinical testing. Allele origin: germline.
Comment: The NPHP1 c.144-1G>A variant is predicted to disrupt the AG splice acceptor site and interfere with normal splicing. This variant has been reported in a carrier screening study of autosomal recessive inherited retinal diseases (Table S3, Hanany. 2020. PubMed ID: 31964843). This variant is reported in 0.0071% of alleles in individuals of South Asian descent in gnomAD. Variants that disrupt the consensus splice acceptor site in NPHP1 are expected to be pathogenic. This variant is interpreted as likely pathogenic.

Genetics and Genomic Medicine Centre, NeuroGen Healthcare, NeuroGen Healthcare
Classification: Pathogenic for Nephronophthisis 1. Last evaluated: 2025-07-15. Review status: criteria provided, single submitter. Criteria: ACMG Guidelines, 2015. Collection method: clinical testing. Allele origin: unknown. Affected: no.

Women's Health and Genetics/Laboratory Corporation of America, LabCorp
Classification: Likely pathogenic for Joubert syndrome and related disorders. Last evaluated: 2025-07-14. Review status: criteria provided, single submitter. Criteria: LabCorp Variant Classification Summary - May 2015. Collection method: clinical testing. Allele origin: germline.
Comment: Variant summary: NPHP1 c.144-1G>A is located in a canonical splice-site and is predicted to affect mRNA splicing resulting in a significantly altered protein due to either exon skipping, shortening, or inclusion of intronic material. Variants that disrupt the consensus splice site are a relatively common cause of aberrant splicing and loss of NPHP1 function. Several computational tools predict a significant impact on normal splicing: Four predict the variant abolishes a canonical 3 acceptor site. Two predict the variant creates a cryptic 3 acceptor site. However, these predictions have yet to be confirmed by functional studies. The variant allele was found at a frequency of 8.7e-06 in 230788 control chromosomes. To our knowledge, no occurrence of c.144-1G>A in individuals affected with Joubert Syndrome And Related Disorders and no experimental evidence demonstrating its impact on protein function have been reported. ClinVar contains an entry for this variant (Variation ID: 1704492). Based on the evidence outlined above, the variant was classified as likely pathogenic.

Labcorp Genetics (formerly Invitae), Labcorp
Classification: Likely pathogenic for Nephronophthisis. Last evaluated: 2024-12-23. Review status: criteria provided, single submitter. Criteria: Invitae Variant Classification Sherloc (09022015). Collection method: clinical testing. Allele origin: germline.
Comment: This sequence change affects an acceptor splice site in intron 2 of the NPHP1 gene. It is expected to disrupt RNA splicing. Variants that disrupt the donor or acceptor splice site typically lead to a loss of protein function (PMID: 16199547), and loss-of-function variants in NPHP1 are known to be pathogenic (PMID: 23559409). This variant is present in population databases (rs752708835, gnomAD 0.007%). This variant has not been reported in the literature in individuals affected with NPHP1-related conditions. ClinVar contains an entry for this variant (Variation ID: 1704492). Algorithms developed to predict the effect of sequence changes on RNA splicing suggest that this variant may disrupt the consensus splice site. In summary, the currently available evidence indicates that the variant is pathogenic, but additional data are needed to prove that conclusively. Therefore, this variant has been classified as Likely Pathogenic.

Blueprint Genetics
Classification: Likely pathogenic for NPHP1-related disorders. Last evaluated: 2024-03-05. Review status: criteria provided, single submitter. Criteria: ACMG Guidelines, 2015. Collection method: clinical testing. Allele origin: germline. Affected: yes. Observed: 1 variant allele.

Baylor Genetics
Classification: Likely pathogenic for Joubert syndrome with renal defect. Last evaluated: 2024-01-18. Review status: criteria provided, single submitter. Criteria: ACMG Guidelines, 2015. Collection method: clinical testing. Allele origin: unknown.

Literature cited by the submitters: PubMed 16199547 (cited by Labcorp Genetics (formerly Invitae), Labcorp); PubMed 23559409 (cited by Labcorp Genetics (formerly Invitae), Labcorp).

NM_001128178.3(NPHP1):c.144-1G>A

Gene: NPHP1 (nephrocystin 1; minus strand). Cytogenetic location: 2q13.
Variant type: single nucleotide variant.
Coding change: c.144-1G>A on transcript NM_001128178.3 (MANE Select); the canonical splice acceptor site of the intron before coding-DNA position 144, G replaced by A.
Molecular consequence: splice acceptor variant. On other transcripts: intron variant (1).
Genome position (GRCh38, 1-based): chr2:110,179,685, C>T on the plus strand (G>A on the coding strand, the complement: NPHP1 is on the minus strand). VCF-style: chr2-110179685-C-T. GRCh37 (hg19) VCF-style: chr2-110937262-C-T.
Other names: c.144-9687G>A (NM_001128179.3); c.144-1G>A (NM_001374256.1, NM_001374257.1, NM_207181.4 and 1 more transcripts).
Identifiers: ClinVar variation 1704492 (VCV001704492.10), dbSNP rs752708835, ClinGen allele CA1827485.